The following is an entry in ClinVar:

NM_000787.4(DBH):c.952G>T (p.Ala318Ser)

Gene: DBH (dopamine beta-hydroxylase; plus strand). Cytogenetic location: 9q34.2.
Variant type: single nucleotide variant.
Coding change: c.952G>T on transcript NM_000787.4 (MANE Select); coding-DNA position 952, G replaced by T.
Protein change: p.Ala318Ser; replaces alanine 318 with serine.
Molecular consequence: missense variant.
Genome position (GRCh38, 1-based): chr9:133,644,248, G>T. VCF-style: chr9-133644248-G-T. GRCh37 (hg19) VCF-style: chr9-136509370-G-T.
Other names: short protein forms A318S.
Identifiers: ClinVar variation 365652 (VCV000365652.19), dbSNP rs4531, ClinGen allele CA5313252.

ClinVar aggregate classification (germline): Benign. Review status: criteria provided, multiple submitters, no conflicts (2 of 4 stars). 6 submissions from 6 submitters: Benign (5). 1 of the submissions does not count toward it. Last evaluated 2026-02-03.

Conditions:
Orthostatic hypotension 1 (ORTHYP1). Also called: Dopamine beta-hydroxylase deficiency; Orthostatic hypotension 1, due to DBH deficiency; NORADRENALINE DEFICIENCY; NOREPINEPHRINE DEFICIENCY. Identifiers: Orphanet 230, MedGen C4746777, MONDO:0009123, OMIM 223360.
DBH-related disorder. Also called: DBH-related condition.

Allele frequency attached by ClinVar (database versions not stated): gnomAD exomes 0.06315; 1000 Genomes Project 0.06530; 1000 Genomes Project 30x 0.06605; TOPMed 0.08087; ESP Exome Variant Server 0.09211.
gnomAD v4.1: 125,181 of 1,613,524 alleles (7.8%); highest among the groups gnomAD compares: African/African-American, 12%; 5,350 homozygotes.

Submissions (6):

Labcorp Genetics (formerly Invitae), Labcorp
Classification: Benign for Orthostatic hypotension 1. Last evaluated: 2026-02-03. Review status: criteria provided, single submitter. Criteria: Invitae Variant Classification Sherloc (09022015). Collection method: clinical testing. Allele origin: germline.

Blueprint Genetics
Classification: Benign. Last evaluated: 2024-11-27. Review status: criteria provided, single submitter. Criteria: ACMG Guidelines, 2015. Collection method: clinical testing. Allele origin: germline.

GeneDx
Classification: Benign. Last evaluated: 2021-05-04. Review status: criteria provided, single submitter. Criteria: GeneDx Variant Classification Process June 2021. Collection method: clinical testing. Allele origin: germline. Affected: yes.

Illumina Laboratory Services, Illumina
Classification: Benign for Orthostatic hypotension 1. Last evaluated: 2018-01-12. Review status: criteria provided, single submitter. Criteria: ICSL Variant Classification Criteria 13 December 2019. Collection method: clinical testing. Allele origin: germline.
Comment: This variant was observed in the ICSL laboratory as part of a predisposition screen in an ostensibly healthy population. It had not been previously curated by ICSL or reported in the Human Gene Mutation Database (HGMD: prior to June 1st, 2018), and was therefore a candidate for classification through an automated scoring system. Utilizing variant allele frequency, disease prevalence and penetrance estimates, and inheritance mode, an automated score was calculated to assess if this variant is too frequent to cause the disease. Based on the score and internal cut-off values, a variant classified as benign is not then subjected to further curation. The score for this variant resulted in a classification of benign for this disease.

Breakthrough Genomics
Classification: Benign. Review status: criteria provided, single submitter. Criteria: ACMG Guidelines, 2015. Collection method: not provided. Allele origin: germline. Inheritance: Autosomal recessive inheritance. Affected: yes.

PreventionGenetics, part of Exact Sciences
Classification: Benign for DBH-related condition. Last evaluated: 2019-11-20. Review status: no assertion criteria provided. Collection method: clinical testing. Allele origin: germline. Not counted in ClinVar's aggregate classification.
Comment: This variant is classified as benign based on ACMG/AMP sequence variant interpretation guidelines (Richards et al. 2015 PMID: 25741868, with internal and published modifications).